The following is an entry in ClinVar:

NM_000051.4(ATM):c.6235_6236insAAG (p.Ser2078_Val2079insGlu)

Genes: ATM (ATM serine/threonine kinase; plus strand), C11orf65 (chromosome 11 open reading frame 65; minus strand). Cytogenetic location: 11q22.3.
Variant type: Insertion.
Coding change: c.6235_6236insAAG on transcript NM_000051.4 (MANE Select); coding-DNA positions 6235 to 6236, AAG inserted.
Protein change: p.Ser2078_Val2079insGlu.
Molecular consequence: inframe insertion. On other transcripts: intron variant (2).
Genome position: GRCh38 VCF-style: chr11-108317408-C-CGAA. GRCh37 (hg19) VCF-style: chr11-108188135-C-CGAA.
Other names: c.6235_6236insAAG, p.Ser2078_Val2079insGlu (NM_001351834.2); c.641-8338_641-8337insCTT (NM_001330368.2); c.*39-8338_*39-8337insCTT (NM_001351110.2).
Identifiers: ClinVar variation 657885 (VCV000657885.9), dbSNP rs1591789280, ClinGen allele CA915947657.

ClinVar aggregate classification (germline): Uncertain significance. Review status: criteria provided, multiple submitters, no conflicts (2 of 4 stars). 2 submissions from 2 submitters: Uncertain significance (2). Last evaluated 2024-11-05.

Conditions:
Hereditary cancer-predisposing syndrome. Also called: Tumor predisposition; Hereditary neoplastic syndrome; Neoplastic Syndromes, Hereditary; Hereditary Cancer Syndrome. Identifiers: Orphanet 140162, MedGen C0027672, MeSH D009386, MONDO:0015356.
Ataxia-telangiectasia syndrome (AT). Also called: Ataxia-telangiectasia, complementation group D; AT, COMPLEMENTATION GROUP C; ATAXIA-TELANGIECTASIA, COMPLEMENTATION GROUP A; ATAXIA-TELANGIECTASIA, FRESNO VARIANT; Ataxia-telangiectasia; LOUIS-BAR SYNDROME. Identifiers: Orphanet 100, MedGen C0004135, MONDO:0008840, OMIM 208900.

Submissions (2):

Ambry Genetics
Classification: Uncertain significance for Hereditary cancer-predisposing syndrome. Last evaluated: 2024-11-05. Review status: criteria provided, single submitter. Criteria: Ambry Variant Classification Scheme 2023. Collection method: clinical testing. Allele origin: germline.
Comment: The c.6235_6236insAAG variant (also known as p.S2078_V2079insE), located in coding exon 42 of the ATM gene, results from an in-frame AAG insertion at nucleotide positions 6235 to 6236. This results in the insertion of an extra glutamic acid residue between codons 2078 and 2079. In addition, this alteration is predicted to be deleterious by in silico analysis (Choi Y et al. PLoS ONE. 2012; 7(10):e46688). Based on the available evidence, the clinical significance of this variant remains unclear.

Labcorp Genetics (formerly Invitae), Labcorp
Classification: Uncertain significance for Ataxia-telangiectasia syndrome. Last evaluated: 2024-08-16. Review status: criteria provided, single submitter. Criteria: Invitae Variant Classification Sherloc (09022015). Collection method: clinical testing. Allele origin: germline.
Comment: This variant, c.6235_6236insAAG, results in the insertion of 1 amino acid(s) of the ATM protein (p.Ser2078_Val2079insGlu), but otherwise preserves the integrity of the reading frame. This variant is not present in population databases (gnomAD no frequency). This variant has not been reported in the literature in individuals affected with ATM-related conditions. ClinVar contains an entry for this variant (Variation ID: 657885). In summary, the available evidence is currently insufficient to determine the role of this variant in disease. Therefore, it has been classified as a Variant of Uncertain Significance.